The following is an entry in ClinVar:

ClinVar aggregate classification (germline): Benign (0 of 4 stars; one submission).

Conditions:
ATP10A-related disorder. Also called: ATP10A-related condition.

Allele frequency attached by ClinVar (database versions not stated): ESP Exome Variant Server 0.08796; TOPMed 0.08808; gnomAD 0.09788; ExAC 0.12087; 1000 Genomes Project 30x 0.12492; 1000 Genomes Project 0.12780.
gnomAD v4.1: 168,612 of 1,610,686 alleles (10%); highest among the groups gnomAD compares: South Asian, 24%; 10,536 homozygotes.

Submission:

PreventionGenetics, part of Exact Sciences
Classification: Benign for ATP10A-related condition. Last evaluated: 2019-11-15. Review status: no assertion criteria provided. Collection method: clinical testing. Allele origin: germline.
Comment: This variant is classified as benign based on ACMG/AMP sequence variant interpretation guidelines (Richards et al. 2015 PMID: 25741868, with internal and published modifications).

NM_024490.4(ATP10A):c.3516G>C (p.Trp1172Cys)

Gene: ATP10A (ATPase phospholipid transporting 10A (putative); minus strand). Cytogenetic location: 15q12.
Variant type: single nucleotide variant.
Coding change: c.3516G>C on transcript NM_024490.4 (MANE Select); coding-DNA position 3516, G replaced by C.
Protein change: p.Trp1172Cys; replaces tryptophan 1172 with cysteine.
Molecular consequence: missense variant.
Genome position (GRCh38, 1-based): chr15:25,681,051, C>G on the plus strand (G>C on the coding strand, the complement: ATP10A is on the minus strand). VCF-style: chr15-25681051-C-G. GRCh37 (hg19) VCF-style: chr15-25926198-C-G.
Other names: short protein forms W1172C.
Identifiers: ClinVar variation 3060278 (VCV003060278.2), dbSNP rs2076742, ClinGen allele CA7436081.